The following is an entry in ClinVar:

NM_002528.7(NTHL1):c.2T>G (p.Met1Arg)

Gene: NTHL1 (nth like DNA glycosylase 1; minus strand). Cytogenetic location: 16p13.3.
Variant type: single nucleotide variant.
Coding change: c.2T>G on transcript NM_002528.7 (MANE Select); coding-DNA position 2, T replaced by G.
Protein change: p.Met1Arg; changes the start codon (methionine 1).
Molecular consequence: missense variant, initiator codon variant. On other transcripts: 5 prime UTR variant (1).
Genome position (GRCh38, 1-based): chr16:2,047,822, A>C on the plus strand (T>G on the coding strand, the complement: NTHL1 is on the minus strand). VCF-style: chr16-2047822-A-C. GRCh37 (hg19) VCF-style: chr16-2097823-A-C.
Other names: c.2T>G, p.Met1Arg (NM_001318193.2); c.-177T>G (NM_001318194.2); short protein forms M1R.
Identifiers: ClinVar variation 5025905 (VCV005025905.1).

ClinVar aggregate classification (germline): Uncertain significance (1 of 4 stars; one submission).

Conditions:
Hereditary cancer-predisposing syndrome. Also called: Neoplastic Syndromes, Hereditary; Tumor predisposition; Hereditary neoplastic syndrome; Hereditary Cancer Syndrome. Identifiers: Orphanet 140162, MedGen C0027672, MeSH D009386, MONDO:0015356.

Submission:

Ambry Genetics
Classification: Uncertain significance for Hereditary cancer-predisposing syndrome. Last evaluated: 2026-07-07. Review status: criteria provided, single submitter. Criteria: Ambry Variant Classification Scheme 2023. Collection method: clinical testing. Allele origin: germline.
Comment: The p.M9R variant (also known as c.26T>G), located in coding exon 1 of the NTHL1 gene, results from a T to G substitution at nucleotide position 26. The methionine at codon 9 is replaced by arginine, an amino acid with similar properties. This amino acid position is conserved. In addition, this alteration is predicted to be tolerated by in silico analysis. Based on the available evidence, the clinical significance of this variant remains unclear.